The following is an entry in ClinVar:

NM_015599.3(PGM3):c.1039T>C (p.Tyr347His)

Gene: PGM3 (phosphoglucomutase 3; minus strand). Cytogenetic location: 6q14.1.
Variant type: single nucleotide variant.
Coding change: c.1039T>C on transcript NM_015599.3 (MANE Select); coding-DNA position 1039, T replaced by C.
Protein change: p.Tyr347His; replaces tyrosine 347 with histidine.
Molecular consequence: missense variant. On other transcripts: non-coding transcript variant (1).
Genome position (GRCh38, 1-based): chr6:83,176,051, A>G on the plus strand (T>C on the coding strand, the complement: PGM3 is on the minus strand). VCF-style: chr6-83176051-A-G. GRCh37 (hg19) VCF-style: chr6-83885770-A-G.
Other names: c.1123T>C, p.Tyr375His (NM_001199917.2, NM_001367287.1); c.796T>C, p.Tyr266His (NM_001199918.2); c.1039T>C, p.Tyr347His (NM_001199919.2, NM_001367286.1); short protein forms Y266H, Y347H, Y375H.
Identifiers: ClinVar variation 1402762 (VCV001402762.5), dbSNP rs958896393, ClinGen allele CA141946568.

ClinVar aggregate classification (germline): Uncertain significance (1 of 4 stars; one submission).

Conditions:
Immunodeficiency 23 (IMD23). Also called: IMMUNODEFICIENCY WITH HYPER IgE AND COGNITIVE IMPAIRMENT; IMMUNODEFICIENCY-VASCULITIS-MYOCLONUS SYNDROME. Identifiers: Orphanet 443811, MedGen C4014371, MONDO:0014353, OMIM 615816.

Allele frequency attached by ClinVar (database versions not stated): gnomAD 0.00001; TOPMed 0.00002.

Submission:

Labcorp Genetics (formerly Invitae), Labcorp
Classification: Uncertain significance for Immunodeficiency 23. Last evaluated: 2022-03-03. Review status: criteria provided, single submitter. Criteria: Invitae Variant Classification Sherloc (09022015). Collection method: clinical testing. Allele origin: germline.
Comment: This sequence change replaces tyrosine, which is neutral and polar, with histidine, which is basic and polar, at codon 375 of the PGM3 protein (p.Tyr375His). This variant is not present in population databases (gnomAD no frequency). This variant has not been reported in the literature in individuals affected with PGM3-related conditions. Algorithms developed to predict the effect of missense changes on protein structure and function output the following: SIFT: "Tolerated"; PolyPhen-2: "Benign"; Align-GVGD: "Class C0". The histidine amino acid residue is found in multiple mammalian species, which suggests that this missense change does not adversely affect protein function. In summary, the available evidence is currently insufficient to determine the role of this variant in disease. Therefore, it has been classified as a Variant of Uncertain Significance.